The following is an entry in ClinVar:

NC_000009.11:g.(?_117166282)_(117171166_?)del

Gene: WHRN (whirlin; minus strand). Cytogenetic location: 9q32.
Variant type: Deletion.
Identifiers: ClinVar variation 3245353 (VCV003245353.1).

ClinVar aggregate classification (germline): Likely pathogenic (1 of 4 stars; one submission).

Submission:

Labcorp Genetics (formerly Invitae), Labcorp
Classification: Likely pathogenic. Last evaluated: 2019-12-07. Review status: criteria provided, single submitter. Criteria: Invitae Variant Classification Sherloc (09022015). Collection method: clinical testing. Allele origin: unknown.
Comment: In summary, the currently available evidence indicates that the variant is pathogenic, but additional data are needed to prove that conclusively. Therefore, this variant has been classified as Likely Pathogenic. Loss-of-function variants in WHRN are known to be pathogenic (PMID: 12833159, 15841483, 22147658). This variant has not been reported in the literature in individuals with WHRN-related conditions. This variant results in the deletion of exon(s) 8-9 and part of exon 10 (c.1627-868_2312del) of the WHRN gene. It is expected to disrupt RNA splicing and likely results in an absent or disrupted protein product.

Literature cited by the submitters: PubMed 12833159; PubMed 15841483; PubMed 22147658.